The following is an entry in ClinVar:

NC_000001.10:g.(?_103480047)_(103480170_?)del

Gene: COL11A1 (collagen type XI alpha 1 chain; minus strand). Cytogenetic location: 1p21.1.
Variant type: Deletion.
Identifiers: ClinVar variation 3247917 (VCV003247917.1).

ClinVar aggregate classification (germline): Uncertain significance (1 of 4 stars; one submission).

Submission:

Labcorp Genetics (formerly Invitae), Labcorp
Classification: Uncertain significance. Last evaluated: 2024-01-06. Review status: criteria provided, single submitter. Criteria: Invitae Variant Classification Sherloc (09022015). Collection method: clinical testing. Allele origin: unknown.
Comment: This variant is a gross deletion of the genomic region encompassing exon(s) 13 of the COL11A1 gene. This variant would be expected to be in-frame, preserving the integrity of the reading frame. This variant has not been reported in the literature in individuals affected with COL11A1-related conditions. Experimental studies and prediction algorithms are not available or were not evaluated, and the functional significance of this variant is currently unknown. In summary, the available evidence is currently insufficient to determine the role of this variant in disease. Therefore, it has been classified as a Variant of Uncertain Significance.